The following is an entry in ClinVar:

NM_000245.4(MET):c.2337G>T (p.Val779=)

Gene: MET (MET proto-oncogene, receptor tyrosine kinase; plus strand). Cytogenetic location: 7q31.2.
Variant type: single nucleotide variant.
Coding change: c.2337G>T on transcript NM_000245.4 (MANE Select); coding-DNA position 2337, G replaced by T.
Protein change: p.Val779=; no amino-acid change (valine 779 retained).
Molecular consequence: synonymous variant.
Genome position (GRCh38, 1-based): chr7:116,759,463, G>T. VCF-style: chr7-116759463-G-T. GRCh37 (hg19) VCF-style: chr7-116399517-G-T.
Other names: c.2391G>T, p.Val797= (NM_001127500.3); c.2337G>T, p.Val779= (NM_001324401.3); c.1047G>T, p.Val349= (NM_001324402.2).
Identifiers: ClinVar variation 1790568 (VCV001790568.5), dbSNP rs863224377, ClinGen allele CA457217309.

ClinVar aggregate classification (germline): Benign/Likely benign. Review status: criteria provided, multiple submitters, no conflicts (2 of 4 stars). 3 submissions from 3 submitters: Benign (1); Likely benign (2). Last evaluated 2024-11-11.

Conditions:
Renal cell carcinoma. Identifiers: Orphanet 217071, MedGen C0007134, MeSH D002292, MONDO:0005086, HP:0005584.
Hereditary cancer-predisposing syndrome. Also called: Hereditary Cancer Syndrome; Hereditary neoplastic syndrome; Tumor predisposition; Neoplastic Syndromes, Hereditary. Identifiers: Orphanet 140162, MedGen C0027672, MeSH D009386, MONDO:0015356.
Papillary renal cell carcinoma type 1 (RCCP1). Also called: RENAL CELL CARCINOMA, PAPILLARY, 1, SOMATIC; Renal adenocarcinoma; Renal cell carcinoma 1; Renal cell carcinoma, somatic. Identifiers: Orphanet 47044, MedGen C1336839, OMIM 605074, HP:0011797.

gnomAD v4.1: 1 of 1,613,654 alleles (0.000062%); highest among the groups gnomAD compares: African/African-American, 0.0013%; no homozygotes.

Submissions (3):

Myriad Genetics, Inc.
Classification: Benign for Papillary renal cell carcinoma type 1. Last evaluated: 2024-11-11. Review status: criteria provided, single submitter. Criteria: Myriad Autosomal Dominant, Autosomal Recessive and X-Linked Classification Criteria (2023). Collection method: clinical testing. Allele origin: unknown.
Comment: This variant is considered benign. This variant is a silent/synonymous amino acid change and it is not expected to impact splicing.

Labcorp Genetics (formerly Invitae), Labcorp
Classification: Likely benign for Renal cell carcinoma. Last evaluated: 2024-03-18. Review status: criteria provided, single submitter. Criteria: Invitae Variant Classification Sherloc (09022015). Collection method: clinical testing. Allele origin: germline.

Ambry Genetics
Classification: Likely benign for Hereditary cancer-predisposing syndrome. Last evaluated: 2022-01-13. Review status: criteria provided, single submitter. Criteria: Ambry Variant Classification Scheme 2023. Collection method: clinical testing. Allele origin: germline.